The following is an entry in ClinVar:

NM_000391.4(TPP1):c.28C>G (p.Leu10Val)

Gene: TPP1 (tripeptidyl peptidase 1; minus strand). Cytogenetic location: 11p15.4.
Variant type: single nucleotide variant.
Coding change: c.28C>G on transcript NM_000391.4 (MANE Select); coding-DNA position 28, C replaced by G.
Protein change: p.Leu10Val; replaces leucine 10 with valine.
Molecular consequence: missense variant.
Genome position (GRCh38, 1-based): chr11:6,619,257, G>C on the plus strand (C>G on the coding strand, the complement: TPP1 is on the minus strand). VCF-style: chr11-6619257-G-C. GRCh37 (hg19) VCF-style: chr11-6640488-G-C.
Other names: short protein forms L10V.
Identifiers: ClinVar variation 2054328 (VCV002054328.4), dbSNP rs2493802865, ClinGen allele CA379477060.

ClinVar aggregate classification (germline): Uncertain significance (1 of 4 stars; one submission).

Submission:

Labcorp Genetics (formerly Invitae), Labcorp
Classification: Uncertain significance. Last evaluated: 2022-07-06. Review status: criteria provided, single submitter. Criteria: Invitae Variant Classification Sherloc (09022015). Collection method: clinical testing. Allele origin: germline.
Comment: In summary, the available evidence is currently insufficient to determine the role of this variant in disease. Therefore, it has been classified as a Variant of Uncertain Significance. This sequence change replaces leucine, which is neutral and non-polar, with valine, which is neutral and non-polar, at codon 10 of the TPP1 protein (p.Leu10Val). This variant is not present in population databases (gnomAD no frequency). This variant has not been reported in the literature in individuals affected with TPP1-related conditions. Advanced modeling of protein sequence and biophysical properties (such as structural, functional, and spatial information, amino acid conservation, physicochemical variation, residue mobility, and thermodynamic stability) performed at Invitae indicates that this missense variant is not expected to disrupt TPP1 protein function.